The following is an entry in ClinVar:

NM_022114.4(PRDM16):c.3143T>C (p.Leu1048Pro)

Gene: PRDM16 (PR/SET domain 16; plus strand). Cytogenetic location: 1p36.32.
Variant type: single nucleotide variant.
Coding change: c.3143T>C on transcript NM_022114.4 (MANE Select); coding-DNA position 3143, T replaced by C.
Protein change: p.Leu1048Pro; replaces leucine 1048 with proline.
Molecular consequence: missense variant.
Genome position (GRCh38, 1-based): chr1:3,426,084, T>C. VCF-style: chr1-3426084-T-C. GRCh37 (hg19) VCF-style: chr1-3342648-T-C.
Other names: c.3143T>C, p.Leu1048Pro (NM_199454.3); short protein forms L1048P.
Identifiers: ClinVar variation 1307357 (VCV001307357.6), dbSNP rs1347443850, ClinGen allele CA338002654.

ClinVar aggregate classification (germline): Uncertain significance. Review status: criteria provided, multiple submitters, no conflicts (2 of 4 stars). 3 submissions from 3 submitters: Uncertain significance (3). Last evaluated 2026-05-01.

Conditions:
Left ventricular noncompaction 8 (LVNC8). Identifiers: Orphanet 154, Orphanet 54260, MedGen C3809288, MONDO:0014152, OMIM 615373.

Allele frequency attached by ClinVar (database versions not stated): gnomAD exomes below 0.00001; TOPMed 0.00001.
gnomAD v4.1: 1 of 1,613,788 alleles (0.000062%); highest among the groups gnomAD compares: African/African-American, 0.0013%; no homozygotes.

Submissions (3):

Women's Health and Genetics/Laboratory Corporation of America, LabCorp
Classification: Uncertain significance. Last evaluated: 2026-05-01. Review status: criteria provided, single submitter. Criteria: LabCorp Variant Classification Summary - May 2015. Collection method: clinical testing. Allele origin: germline.

Labcorp Genetics (formerly Invitae), Labcorp
Classification: Uncertain significance for Left ventricular noncompaction 8. Last evaluated: 2023-10-23. Review status: criteria provided, single submitter. Criteria: Invitae Variant Classification Sherloc (09022015). Collection method: clinical testing. Allele origin: germline.
Comment: This sequence change replaces leucine, which is neutral and non-polar, with proline, which is neutral and non-polar, at codon 1048 of the PRDM16 protein (p.Leu1048Pro). This variant is present in population databases (no rsID available, gnomAD 0.007%). This variant has not been reported in the literature in individuals affected with PRDM16-related conditions. ClinVar contains an entry for this variant (Variation ID: 1307357). An algorithm developed to predict the effect of missense changes on protein structure and function (PolyPhen-2) suggests that this variant is likely to be disruptive. In summary, the available evidence is currently insufficient to determine the role of this variant in disease. Therefore, it has been classified as a Variant of Uncertain Significance.

GeneDx
Classification: Uncertain significance. Last evaluated: 2019-07-19. Review status: criteria provided, single submitter. Criteria: GeneDx Variant Classification Process June 2021. Collection method: clinical testing. Allele origin: germline. Affected: yes.
Comment: Has not been previously published as pathogenic or benign to our knowledge; Not observed at a significant frequency in large population cohorts (Lek et al., 2016); In silico analysis, which includes protein predictors and evolutionary conservation, supports that this variant does not alter protein structure/function